The following is an entry in ClinVar:

NM_000143.4(FH):c.74C>A (p.Ala25Asp)

Gene: FH (fumarate hydratase; minus strand). Cytogenetic location: 1q43.
Variant type: single nucleotide variant.
Coding change: c.74C>A on transcript NM_000143.4 (MANE Select); coding-DNA position 74, C replaced by A.
Protein change: p.Ala25Asp; replaces alanine 25 with aspartic acid.
Molecular consequence: missense variant.
Genome position (GRCh38, 1-based): chr1:241,519,649, G>T on the plus strand (C>A on the coding strand, the complement: FH is on the minus strand). VCF-style: chr1-241519649-G-T. GRCh37 (hg19) VCF-style: chr1-241682949-G-T.
Other names: short protein forms A25D.
Identifiers: ClinVar variation 2587058 (VCV002587058.2), dbSNP rs1573889933, ClinGen allele CA345442822.

ClinVar aggregate classification (germline): Uncertain significance (1 of 4 stars; one submission).

Conditions:
Hereditary cancer-predisposing syndrome. Also called: Tumor predisposition; Hereditary Cancer Syndrome; Hereditary neoplastic syndrome; Neoplastic Syndromes, Hereditary. Identifiers: Orphanet 140162, MedGen C0027672, MeSH D009386, MONDO:0015356.

Submission:

Ambry Genetics
Classification: Uncertain significance for Hereditary cancer-predisposing syndrome. Last evaluated: 2023-07-25. Review status: criteria provided, single submitter. Criteria: Ambry Variant Classification Scheme 2023. Collection method: clinical testing. Allele origin: germline.
Comment: The p.A25D variant (also known as c.74C>A), located in coding exon 1 of the FH gene, results from a C to A substitution at nucleotide position 74. The alanine at codon 25 is replaced by aspartic acid, an amino acid with dissimilar properties. This amino acid position is conserved. In addition, the in silico prediction for this alteration is inconclusive. Since supporting evidence is limited at this time, the clinical significance of this alteration remains unclear.